The following is an entry in ClinVar:

NM_005476.7(GNE):c.1268T>G (p.Ile423Arg)

Gene: GNE (glucosamine (UDP-N-acetyl)-2-epimerase/N-acetylmannosamine kinase; minus strand). Cytogenetic location: 9p13.3.
Variant type: single nucleotide variant.
Coding change: c.1268T>G on transcript NM_005476.7 (MANE Select); coding-DNA position 1268, T replaced by G.
Protein change: p.Ile423Arg; replaces isoleucine 423 with arginine.
Molecular consequence: missense variant.
Genome position (GRCh38, 1-based): chr9:36,227,261, A>C on the plus strand (T>G on the coding strand, the complement: GNE is on the minus strand). VCF-style: chr9-36227261-A-C. GRCh37 (hg19) VCF-style: chr9-36227258-A-C.
Other names: c.1361T>G, p.Ile454Arg (NM_001128227.3); c.1268T>G, p.Ile423Arg (NM_001190383.3); c.938T>G, p.Ile313Arg (NM_001190384.3); c.1091T>G, p.Ile364Arg (NM_001190388.2, NM_001374798.1); c.1115T>G, p.Ile372Arg (NM_001374797.1); short protein forms I454R, I423R, I313R, I364R, I372R.
Identifiers: ClinVar variation 555858 (VCV000555858.3), dbSNP rs1313840587, ClinGen allele CA373428515.

ClinVar aggregate classification (germline): Uncertain significance. Review status: criteria provided, single submitter (1 of 4 stars). 2 submissions from 2 submitters: Uncertain significance (1). 1 of the submissions does not count toward it. Last evaluated 2026-02-23.

Conditions:
GNE myopathy (NM). Also called: IBM 2; Inclusion body myopathy autosomal recessive; Inclusion body myopathy quadriceps sparing; NONAKA DISTAL MYOPATHY; INCLUSION BODY MYOPATHY, HEREDITARY, AUTOSOMAL RECESSIVE; INCLUSION BODY MYOPATHY 2, AUTOSOMAL RECESSIVE. Identifiers: Orphanet 602, MedGen C1853926, MONDO:0011603, OMIM 605820.

Submissions (2):

Women's Health and Genetics/Laboratory Corporation of America, LabCorp
Classification: Uncertain significance. Last evaluated: 2026-02-23. Review status: criteria provided, single submitter. Criteria: LabCorp Variant Classification Summary - May 2015. Collection method: clinical testing. Allele origin: germline.
Comment: Variant summary: GNE c.1361T>G (p.Ile454Arg) results in a non-conservative amino acid change in the encoded protein sequence. Algorithms developed to predict the effect of missense changes on protein structure and function all suggest that this variant is likely to be disruptive. The variant was absent in 251456 control chromosomes. The available data on variant occurrences in the general population are insufficient to allow any conclusion about variant significance. c.1361T>G has been observed in individual(s) affected with GNE-related disorders. These report(s) do not provide unequivocal conclusions about association of the variant with Inclusion Body Myopathy 2. To our knowledge, no experimental evidence demonstrating an impact on protein function has been reported. The following publication have been ascertained in the context of this evaluation (PMID: 25046369). ClinVar contains an entry for this variant (Variation ID: 555858). Based on the evidence outlined above, the variant was classified as uncertain significance.

Counsyl
Classification: Uncertain significance for GNE myopathy. Last evaluated: 2017-12-29. Review status: no assertion criteria provided. Collection method: clinical testing. Allele origin: unknown. Not counted in ClinVar's aggregate classification.

Literature cited by the submitters: PubMed 25046369 (cited by Women's Health and Genetics/Laboratory Corporation of America, LabCorp and Counsyl).